The following is an entry in ClinVar:

NM_020338.4(ZMIZ1):c.932A>G (p.Asn311Ser)

Gene: ZMIZ1 (zinc finger MIZ-type containing 1; plus strand). Cytogenetic location: 10q22.3.
Variant type: single nucleotide variant.
Coding change: c.932A>G on transcript NM_020338.4 (MANE Select); coding-DNA position 932, A replaced by G.
Protein change: p.Asn311Ser; replaces asparagine 311 with serine.
Molecular consequence: missense variant.
Genome position (GRCh38, 1-based): chr10:79,292,331, A>G. VCF-style: chr10-79292331-A-G. GRCh37 (hg19) VCF-style: chr10-81052088-A-G.
Other names: short protein forms N311S.
Identifiers: ClinVar variation 2102894 (VCV002102894.4), dbSNP rs867541629, ClinGen allele CA210209317.
Genomic context (GRCh38, chr10:79,292,331, plus strand): 5'-CAGCAGCCACAGCTACAGCCACAGCCACGGCCACTGTGGCAGCCCTGCAGGAGACACAGA[A>G]CAAGGATATAAACCAGTATGGACCGGTAAGGGTTCCCACTAATCCTGGTCCAGCCTTGCC-3'
Protein context (NP_065071.1, residues 301-321): ATVAALQETQ[Asn311Ser]KDINQYGPMG

ClinVar aggregate classification (germline): Uncertain significance (1 of 4 stars; one submission).

Allele frequency attached by ClinVar (database versions not stated): gnomAD 0.00001; TOPMed 0.00001.

Submission:

Labcorp Genetics (formerly Invitae), Labcorp
Classification: Uncertain significance. Last evaluated: 2022-09-20. Review status: criteria provided, single submitter. Criteria: Invitae Variant Classification Sherloc (09022015). Collection method: clinical testing. Allele origin: germline.
Comment: In summary, the available evidence is currently insufficient to determine the role of this variant in disease. Therefore, it has been classified as a Variant of Uncertain Significance. Advanced modeling of protein sequence and biophysical properties (such as structural, functional, and spatial information, amino acid conservation, physicochemical variation, residue mobility, and thermodynamic stability) performed at Invitae indicates that this missense variant is not expected to disrupt ZMIZ1 protein function. This sequence change replaces asparagine, which is neutral and polar, with serine, which is neutral and polar, at codon 311 of the ZMIZ1 protein (p.Asn311Ser). This variant is present in population databases (no rsID available, gnomAD 0.007%). This variant has not been reported in the literature in individuals affected with ZMIZ1-related conditions.